The following is an entry in ClinVar:

ClinVar aggregate classification (germline): Uncertain significance (1 of 4 stars; one submission).

Submission:

Labcorp Genetics (formerly Invitae), Labcorp
Classification: Uncertain significance. Last evaluated: 2024-08-27. Review status: criteria provided, single submitter. Criteria: Invitae Variant Classification Sherloc (09022015). Collection method: clinical testing. Allele origin: germline.
Comment: This variant, c.3472_3477del, results in the deletion of 2 amino acid(s) of the POLE protein (p.Val1158_Pro1159del), but otherwise preserves the integrity of the reading frame. This variant is not present in population databases (gnomAD no frequency). This variant has not been reported in the literature in individuals affected with POLE-related conditions. Experimental studies and prediction algorithms are not available or were not evaluated, and the functional significance of this variant is currently unknown. In summary, the available evidence is currently insufficient to determine the role of this variant in disease. Therefore, it has been classified as a Variant of Uncertain Significance.

NM_006231.4(POLE):c.3472_3477del (p.Val1158_Pro1159del)

Gene: POLE (DNA polymerase epsilon, catalytic subunit; minus strand). Cytogenetic location: 12q24.33.
Variant type: Deletion.
Coding change: c.3472_3477del on transcript NM_006231.4 (MANE Select); coding-DNA positions 3472 to 3477, 6 bases deleted (GTGCCA; older notation c.3472_3477delGTGCCA).
Protein change: p.Val1158_Pro1159del.
Genome position (GRCh38, 1-based): chr12:132,657,241-132,657,246, TGGCAC deleted on the plus strand (GTGCCA on the coding strand, the reverse complement: POLE is on the minus strand); deleting any 6 consecutive bases within chr12:132,657,241-132,657,249 gives the same sequence; the c. name uses the placement nearest the transcript's 3' end. VCF-style (leftmost placement, unchanged base first): chr12-132657240-GTGGCAC-G. GRCh37 (hg19) VCF-style: chr12-133233826-GTGGCAC-G.
Identifiers: ClinVar variation 3712977 (VCV003712977.2).